The following is an entry in ClinVar:

ClinVar aggregate classification (germline): Benign. Review status: criteria provided, multiple submitters, no conflicts (2 of 4 stars). 6 submissions from 4 submitters: Benign (6). Last evaluated 2021-07-30.

Conditions:
Miyoshi muscular dystrophy 1 (MMD1). Identifiers: Orphanet 45448, MedGen C4551973, MONDO:0024545, OMIM 254130.
Autosomal recessive limb-girdle muscular dystrophy type 2B (LGMDR2). Also called: MUSCULAR DYSTROPHY, LIMB-GIRDLE, TYPE 3; Limb-girdle muscular dystrophy, type 2B; Limb-Girdle Muscular Dystrophy Type 2B (LGMD2B); MUSCULAR DYSTROPHY, LIMB-GIRDLE, AUTOSOMAL RECESSIVE 2. Identifiers: Orphanet 268, MedGen C1850889, MONDO:0009676, OMIM 253601.
Distal myopathy with anterior tibial onset. Identifiers: Orphanet 178400, MedGen C1847532, MONDO:0011721, OMIM 606768.

Allele frequency attached by ClinVar (database versions not stated): gnomAD exomes 0.03563 and 0.04339; 1000 Genomes Project 30x 0.09931; ExAC 0.04990; TOPMed 0.09115; ESP Exome Variant Server 0.09396; 1000 Genomes Project 0.09325.
gnomAD v4.1: 65,430 of 1,613,810 alleles (4.1%); highest among the groups gnomAD compares: African/African-American, 22%; 2,825 homozygotes.

Submissions (6):

Genome-Nilou Lab
Classification: Benign for Autosomal recessive limb-girdle muscular dystrophy type 2B. Last evaluated: 2021-07-30. Review status: criteria provided, single submitter. Criteria: ACMG Guidelines, 2015. Collection method: clinical testing. Allele origin: germline. Affected: no.

Genome-Nilou Lab
Classification: Benign for Distal myopathy with anterior tibial onset. Last evaluated: 2021-07-30. Review status: criteria provided, single submitter. Criteria: ACMG Guidelines, 2015. Collection method: clinical testing. Allele origin: germline. Affected: no.

Genome-Nilou Lab
Classification: Benign for Miyoshi muscular dystrophy 1. Last evaluated: 2021-06-10. Review status: criteria provided, single submitter. Criteria: ACMG Guidelines, 2015. Collection method: clinical testing. Allele origin: germline. Affected: no.

GeneDx
Classification: Benign. Last evaluated: 2018-06-14. Review status: criteria provided, single submitter. Criteria: GeneDx Variant Classification (06012015). Collection method: clinical testing. Allele origin: germline. Affected: yes.
Comment: This variant is considered likely benign or benign based on one or more of the following criteria: it is a conservative change, it occurs at a poorly conserved position in the protein, it is predicted to be benign by multiple in silico algorithms, and/or has population frequency not consistent with disease.

Breakthrough Genomics
Classification: Benign. Review status: criteria provided, single submitter. Criteria: ACMG Guidelines, 2015. Collection method: not provided. Allele origin: germline. Inheritance: Autosomal recessive inheritance. Affected: yes.

PreventionGenetics, part of Exact Sciences
Classification: Benign. Review status: criteria provided, single submitter. Criteria: ACMG Guidelines, 2015. Collection method: clinical testing. Allele origin: germline.

NM_001130987.2(DYSF):c.1807-24C>G

Gene: DYSF (dysferlin; plus strand). Cytogenetic location: 2p13.2.
Variant type: single nucleotide variant.
Coding change: c.1807-24C>G on transcript NM_001130987.2 (MANE Select); 24 bases into the intron before coding-DNA position 1807, C replaced by G.
Molecular consequence: intron variant.
Genome position (GRCh38, 1-based): chr2:71,552,987, C>G. VCF-style: chr2-71552987-C-G. GRCh37 (hg19) VCF-style: chr2-71780117-C-G.
Other names: c.1846-24C>G (NM_001130979.2); c.1804-24C>G (NM_001130981.2, NM_001130980.2); c.1753-24C>G (NM_001130978.2, NM_003494.4); c.1711-24C>G (NM_001130977.2, NM_001130976.2); c.1849-24C>G (NM_001130982.2); c.1807-24C>G (NM_001130985.2); c.1756-24C>G (NM_001130983.2, NM_001130455.2); c.1714-24C>G (NM_001130984.2, NM_001130986.2).
Identifiers: ClinVar variation 259066 (VCV000259066.7), dbSNP rs2303595, ClinGen allele CA1705954.